The following is an entry in ClinVar:

ClinVar aggregate classification (germline): Pathogenic (1 of 4 stars; one submission).

Conditions:
Ichthyosis linearis circumflexa. Identifiers: MedGen C0265962, MONDO:0043106, HP:0025810.

Submission:

Labcorp Genetics (formerly Invitae), Labcorp
Classification: Pathogenic for Ichthyosis linearis circumflexa. Last evaluated: 2023-02-06. Review status: criteria provided, single submitter. Criteria: Invitae Variant Classification Sherloc (09022015). Collection method: clinical testing. Allele origin: germline.
Comment: This sequence change affects a donor splice site in intron 8 of the SPINK5 gene. It is expected to disrupt RNA splicing. Variants that disrupt the donor or acceptor splice site typically lead to a loss of protein function (PMID: 16199547), and loss-of-function variants in SPINK5 are known to be pathogenic (PMID: 11511292, 11841556). This variant is not present in population databases (gnomAD no frequency). Disruption of this splice site has been observed in individuals with Netherton syndrome (PMID: 19683336, 29444371). Algorithms developed to predict the effect of sequence changes on RNA splicing suggest that this variant may disrupt the consensus splice site. For these reasons, this variant has been classified as Pathogenic.

Literature cited by the submitters: PubMed 16199547; PubMed 11511292; PubMed 11841556; PubMed 19683336; PubMed 29444371.

NM_006846.4(SPINK5):c.666+1G>T

Gene: SPINK5 (serine peptidase inhibitor Kazal type 5; plus strand). Cytogenetic location: 5q32.
Variant type: single nucleotide variant.
Coding change: c.666+1G>T on transcript NM_006846.4 (MANE Select); the canonical splice donor site of the intron after coding-DNA position 666, G replaced by T.
Molecular consequence: splice donor variant.
Genome position (GRCh38, 1-based): chr5:148,091,229, G>T. VCF-style: chr5-148091229-G-T. GRCh37 (hg19) VCF-style: chr5-147470792-G-T.
Other names: c.666+1G>T (NM_001127698.2, NM_001127699.2).
Identifiers: ClinVar variation 2789920 (VCV002789920.3), dbSNP rs776976720, ClinGen allele CA361890962.
Genomic context (GRCh38, chr5:148,091,229, plus strand): 5'-AAAGAAGCTGAAAATGCCAAGCGAGAGGGTGAAACTAGAATTCGACGAAATGCTGAAAAG[G>T]TAAAATGACTCACCAACGCAATTTTGTTCTTGTGGCCATATTTATTAACAAATGTATGCC-3'